The following is an entry in ClinVar:

NM_001135608.3(ARHGAP26):c.2099+69A>G

Gene: ARHGAP26 (Rho GTPase activating protein 26; plus strand). Cytogenetic location: 5q31.3.
Variant type: single nucleotide variant.
Coding change: c.2099+69A>G on transcript NM_001135608.3 (MANE Select); 69 bases into the intron after coding-DNA position 2099, A replaced by G.
Molecular consequence: intron variant. On other transcripts: missense variant (1).
Genome position (GRCh38, 1-based): chr5:143,207,377, A>G. VCF-style: chr5-143207377-A-G. GRCh37 (hg19) VCF-style: chr5-142586942-A-G.
Other names: c.2168A>G, p.His723Arg (LRG_1127t1, NM_015071.6); c.1881-6620A>G (NM_001349547.2); short protein forms H723R.
Identifiers: ClinVar variation 133546 (VCV000133546.1), dbSNP rs562055157, ClinGen allele CA156910.
Genomic context (GRCh38, chr5:143,207,377, plus strand): 5'-CAGGGTTTGTTTGGTTTTCTGTTGCTGCCGTTGTTCTCTCATTGGCTCGGTCCTCTCTTC[A>G]TGCAGTGTTCAGCCTCCTCGTCAACTTTGTTCCCTGCCATCCAAACCTGCACTTGCTTTT-3'

ClinVar aggregate classification (germline): not provided (0 of 4 stars; one submission).

Allele frequency attached by ClinVar (database versions not stated): gnomAD below 0.00001 and 0.00021; TOPMed 0.00002; gnomAD exomes 0.00039 and 0.00069; 1000 Genomes Project 30x 0.00047; 1000 Genomes Project 0.00060; ExAC 0.00068.
gnomAD v4.1: 592 of 1,613,960 alleles (0.037%); highest among the groups gnomAD compares: South Asian, 0.62%; 7 homozygotes.

Submission:

ITMI
No classification provided. Condition: AllHighlyPenetrant. Last evaluated: 2013-09-19. Review status: no classification provided. Collection method: reference population. Allele origin: germline.
Comment: Please see associated publication for description of ethnicities

Literature cited by the submitters: PubMed 24728327.